The following is an entry in ClinVar:

NM_024675.4(PALB2):c.2793C>A (p.Leu931=)

Gene: PALB2 (partner and localizer of BRCA2; minus strand). Cytogenetic location: 16p12.2.
Variant type: single nucleotide variant.
Coding change: c.2793C>A on transcript NM_024675.4 (MANE Select); coding-DNA position 2793, C replaced by A.
Protein change: p.Leu931=; no amino-acid change (leucine 931 retained).
Molecular consequence: synonymous variant.
Genome position (GRCh38, 1-based): chr16:23,624,050, G>T on the plus strand (C>A on the coding strand, the complement: PALB2 is on the minus strand). VCF-style: chr16-23624050-G-T. GRCh37 (hg19) VCF-style: chr16-23635371-G-T.
Other names: c.2733C>A, p.Leu911= (NM_001407296.1); c.2721C>A, p.Leu907= (NM_001407297.1); c.2631C>A, p.Leu877= (NM_001407298.1, NM_001407302.1); c.2793C>A, p.Leu931= (NM_001407299.1, NM_001407300.1, NM_001407301.1); c.1908C>A, p.Leu636= (NM_001407304.1, NM_001407305.1, NM_001407306.1 and 4 more transcripts); c.1746C>A, p.Leu582= (NM_001407307.1); c.1005C>A, p.Leu335= (NM_001407312.1, NM_001407313.1); c.327C>A, p.Leu109= (NM_001407314.1).
Identifiers: ClinVar variation 3303987 (VCV003303987.4).

ClinVar aggregate classification (germline): Conflicting classifications of pathogenicity. Review status: criteria provided, conflicting classifications (1 of 4 stars). 3 submissions from 3 submitters: Uncertain significance (2); Benign (1). Last evaluated 2025-01-17.

Conditions:
Familial cancer of breast. Also called: BREAST CANCER, FAMILIAL; Hereditary breast cancer; hereditary breast carcinoma. Identifiers: Orphanet 227535, MedGen C0346153, MONDO:0016419, OMIM 114480. Disease mechanism: loss of function.
Hereditary cancer-predisposing syndrome. Also called: Tumor predisposition; Hereditary Cancer Syndrome; Hereditary neoplastic syndrome; Neoplastic Syndromes, Hereditary. Identifiers: Orphanet 140162, MedGen C0027672, MeSH D009386, MONDO:0015356.

Submissions (3):

Myriad Genetics, Inc.
Classification: Benign for Familial cancer of breast. Last evaluated: 2025-01-17. Review status: criteria provided, single submitter. Criteria: Myriad Autosomal Dominant, Autosomal Recessive and X-Linked Classification Criteria (2023). Collection method: clinical testing. Allele origin: unknown.
Comment: This variant is considered benign. This variant is a silent/synonymous amino acid change and it is not expected to impact splicing.

Labcorp Genetics (formerly Invitae), Labcorp
Classification: Uncertain significance for Familial cancer of breast. Last evaluated: 2024-08-15. Review status: criteria provided, single submitter. Criteria: Invitae Variant Classification Sherloc (09022015). Collection method: clinical testing. Allele origin: germline.
Comment: This sequence change affects codon 931 of the PALB2 mRNA. It is a 'silent' change, meaning that it does not change the encoded amino acid sequence of the PALB2 protein. This variant is not present in population databases (gnomAD no frequency). This variant has not been reported in the literature in individuals affected with PALB2-related conditions. Algorithms developed to predict the effect of sequence changes on RNA splicing suggest that this variant may disrupt the consensus splice site. In summary, the available evidence is currently insufficient to determine the role of this variant in disease. Therefore, it has been classified as a Variant of Uncertain Significance.

Ambry Genetics
Classification: Uncertain significance for Hereditary cancer-predisposing syndrome. Last evaluated: 2024-05-24. Review status: criteria provided, single submitter. Criteria: Ambry Variant Classification Scheme 2023. Collection method: clinical testing. Allele origin: germline.
Comment: The c.2793C>A variant (also known as p.L931L), located in coding exon 8 of the PALB2 gene, results from a C to A substitution at nucleotide position 2793. This nucleotide substitution does not change the leucine at codon 931. This nucleotide position is not well conserved in available vertebrate species. In silico splice site analysis for this alteration is inconclusive and direct evidence is insufficient at this time (Ambry internal data). Based on the available evidence, the clinical significance of this variant remains unclear.